The following is an entry in ClinVar:

ClinVar aggregate classification (germline): Uncertain significance. Review status: criteria provided, multiple submitters, no conflicts (2 of 4 stars). 2 submissions from 2 submitters: Uncertain significance (2). Last evaluated 2025-08-04.

Conditions:
Hereditary cancer-predisposing syndrome. Also called: Neoplastic Syndromes, Hereditary; Tumor predisposition; Hereditary Cancer Syndrome; Hereditary neoplastic syndrome. Identifiers: Orphanet 140162, MedGen C0027672, MeSH D009386, MONDO:0015356.
Carney complex, type 1 (CNC1). Also called: CARNEY MYXOMA-ENDOCRINE COMPLEX; CARNEY COMPLEX, TYPE I. Identifiers: Orphanet 1359, MedGen C2607929, MONDO:0008057, OMIM 160980.

Submissions (2):

Ambry Genetics
Classification: Uncertain significance for Hereditary cancer-predisposing syndrome. Last evaluated: 2025-08-04. Review status: criteria provided, single submitter. Criteria: Ambry Variant Classification Scheme 2023. Collection method: clinical testing. Allele origin: germline.
Comment: The p.V274E variant (also known as c.821T>A), located in coding exon 8 of the PRKAR1A gene, results from a T to A substitution at nucleotide position 821. The valine at codon 274 is replaced by glutamic acid, an amino acid with dissimilar properties. This amino acid position is highly conserved in available vertebrate species. In addition, this alteration is predicted to be deleterious by in silico analysis. Based on the available evidence, the clinical significance of this variant remains unclear.

Labcorp Genetics (formerly Invitae), Labcorp
Classification: Uncertain significance for Carney complex, type 1. Last evaluated: 2025-07-25. Review status: criteria provided, single submitter. Criteria: Invitae Variant Classification Sherloc (09022015). Collection method: clinical testing. Allele origin: germline.
Comment: This sequence change replaces valine, which is neutral and non-polar, with glutamic acid, which is acidic and polar, at codon 274 of the PRKAR1A protein (p.Val274Glu). This variant is not present in population databases (gnomAD no frequency). This variant has not been reported in the literature in individuals affected with PRKAR1A-related conditions. ClinVar contains an entry for this variant (Variation ID: 1762516). Invitae Evidence Modeling of protein sequence and biophysical properties (such as structural, functional, and spatial information, amino acid conservation, physicochemical variation, residue mobility, and thermodynamic stability) indicates that this missense variant is not expected to disrupt PRKAR1A protein function with a negative predictive value of 95%. In summary, the available evidence is currently insufficient to determine the role of this variant in disease. Therefore, it has been classified as a Variant of Uncertain Significance.

NM_002734.5(PRKAR1A):c.821T>A (p.Val274Glu)

Gene: PRKAR1A (protein kinase cAMP-dependent type I regulatory subunit alpha; plus strand). Cytogenetic location: 17q24.2.
Variant type: single nucleotide variant.
Coding change: c.821T>A on transcript NM_002734.5 (MANE Select); coding-DNA position 821, T replaced by A.
Protein change: p.Val274Glu; replaces valine 274 with glutamic acid.
Molecular consequence: missense variant.
Genome position (GRCh38, 1-based): chr17:68,528,921, T>A. VCF-style: chr17-68528921-T-A. GRCh37 (hg19) VCF-style: chr17-66525062-T-A.
Other names: c.821T>A, p.Val274Glu (NM_001276289.2, NM_001276290.1, NM_001278433.2 and 4 more transcripts); short protein forms V274E.
Identifiers: ClinVar variation 1762516 (VCV001762516.6), dbSNP rs2509437662, ClinGen allele CA400753894.